The following is an entry in ClinVar:

NM_001365276.2(TNXB):c.6521_6522del (p.Pro2174fs)

Gene: TNXB (tenascin XB; minus strand). Cytogenetic location: 6p21.33.
Variant type: Deletion.
Coding change: c.6521_6522del on transcript NM_001365276.2 (MANE Select); coding-DNA positions 6521 to 6522, 2 bases deleted (CA; older notation c.6521_6522delCA).
Protein change: p.Pro2174fs; shifts the reading frame from proline 2174.
Molecular consequence: frameshift variant.
Genome position (GRCh38, 1-based): chr6:32,067,683-32,067,684, TG deleted on the plus strand (CA on the coding strand, the reverse complement: TNXB is on the minus strand). VCF-style (leftmost placement, unchanged base first): chr6-32067682-CTG-C. GRCh37 (hg19) VCF-style: chr6-32035459-CTG-C.
Other names: c.6521_6522del, p.Pro2174fs (NM_019105.8); short protein forms P2174fs.
Identifiers: ClinVar variation 4806725 (VCV004806725.1), dbSNP rs753442104.

ClinVar aggregate classification (germline): Pathogenic (1 of 4 stars; one submission).

Allele frequency attached by ClinVar (database versions not stated): TOPMed below 0.00001; ExAC 0.00001; gnomAD exomes 0.00002.

Submission:

Labcorp Genetics (formerly Invitae), Labcorp
Classification: Pathogenic. Last evaluated: 2026-01-26. Review status: criteria provided, single submitter. Criteria: Invitae Variant Classification Sherloc (09022015). Collection method: clinical testing. Allele origin: germline.
Comment: This sequence change creates a premature translational stop signal (p.Pro2174Argfs*15) in the TNXB gene. It is expected to result in an absent or disrupted protein product. Loss-of-function variants in TNXB are known to be pathogenic (PMID: 9288108, 11642233). This variant is present in population databases (rs753442104, gnomAD 0.01%). This variant has not been reported in the literature in individuals affected with TNXB-related conditions. For these reasons, this variant has been classified as Pathogenic.

Literature cited by the submitters: PubMed 9288108; PubMed 11642233.